The following is an entry in ClinVar:

ClinVar aggregate classification (germline): Uncertain significance (1 of 4 stars; one submission).

Submission:

Labcorp Genetics (formerly Invitae), Labcorp
Classification: Uncertain significance. Last evaluated: 2025-07-31. Review status: criteria provided, single submitter. Criteria: Invitae Variant Classification Sherloc (09022015). Collection method: clinical testing. Allele origin: germline.
Comment: This sequence change replaces threonine, which is neutral and polar, with isoleucine, which is neutral and non-polar, at codon 31 of the CARD8 protein (p.Thr31Ile). This variant is not present in population databases (gnomAD no frequency). This variant has not been reported in the literature in individuals affected with CARD8-related conditions. ClinVar contains an entry for this variant (Variation ID: 3697468). An algorithm developed to predict the effect of missense changes on protein structure and function outputs the following: PolyPhen-2: "Benign". The isoleucine amino acid residue is found in multiple mammalian species, which suggests that this missense change does not adversely affect protein function. In summary, the available evidence is currently insufficient to determine the role of this variant in disease. Therefore, it has been classified as a Variant of Uncertain Significance.

NM_001184900.3(CARD8):c.242C>T (p.Thr81Ile)

Gene: CARD8 (caspase recruitment domain family member 8; minus strand). Cytogenetic location: 19q13.33.
Variant type: single nucleotide variant.
Coding change: c.242C>T on transcript NM_001184900.3 (MANE Select); coding-DNA position 242, C replaced by T.
Protein change: p.Thr81Ile; replaces threonine 81 with isoleucine.
Molecular consequence: missense variant. On other transcripts: 5 prime UTR variant (6), non-coding transcript variant (4).
Genome position (GRCh38, 1-based): chr19:48,234,511, G>A on the plus strand (C>T on the coding strand, the complement: CARD8 is on the minus strand). VCF-style: chr19-48234511-G-A. GRCh37 (hg19) VCF-style: chr19-48737768-G-A.
Other names: c.92C>T, p.Thr31Ile (NM_001184901.1, NM_001351783.2, NM_001351788.2 and 2 more transcripts); c.242C>T, p.Thr81Ile (NM_001184902.2, NM_001184903.1, NM_001351782.2); c.-33C>T (NM_001351784.2, NM_001351787.2, NM_001351791.2 and 2 more transcripts); c.-247C>T (NM_001351786.2); c.40C>T, p.Pro14Ser (NM_001351790.2); short protein forms P14S, T31I, T81I.
Identifiers: ClinVar variation 3697468 (VCV003697468.2).
Genomic context (GRCh38, chr19:48,234,511, plus strand): 5'-AATAATGGCTCTGCCTCTGTCTCATCATCTTCTTGGAAAAAATGTGAGATGTCACAAAGG[G>A]TCTCAGAAACACAGGGTAGCTCCCTGTATACCCTGGAAAACAACAACAGAATTTTTACTA-3'
Protein context (NP_001171829.1, residues 71-91): VYRELPCVSE[Thr81Ile]LCDISHFFQE